The following is an entry in ClinVar:

ClinVar aggregate classification (germline): Uncertain significance (1 of 4 stars; one submission).

Allele frequency attached by ClinVar (database versions not stated): TOPMed 0.00001.
gnomAD v4.1: 9 of 1,614,130 alleles (0.00056%); highest among the groups gnomAD compares: Non-Finnish European, 0.00076%; no homozygotes.

Submission:

Labcorp Genetics (formerly Invitae), Labcorp
Classification: Uncertain significance. Last evaluated: 2025-04-16. Review status: criteria provided, single submitter. Criteria: Invitae Variant Classification Sherloc (09022015). Collection method: clinical testing. Allele origin: germline.
Comment: This sequence change replaces arginine, which is basic and polar, with leucine, which is neutral and non-polar, at codon 425 of the ACBD5 protein (p.Arg425Leu). This variant is not present in population databases (gnomAD no frequency). This variant has not been reported in the literature in individuals affected with ACBD5-related conditions. ClinVar contains an entry for this variant (Variation ID: 1021281). Invitae Evidence Modeling of protein sequence and biophysical properties (such as structural, functional, and spatial information, amino acid conservation, physicochemical variation, residue mobility, and thermodynamic stability) indicates that this missense variant is expected to disrupt ACBD5 protein function with a positive predictive value of 80%. In summary, the available evidence is currently insufficient to determine the role of this variant in disease. Therefore, it has been classified as a Variant of Uncertain Significance.

NM_145698.5(ACBD5):c.1274G>T (p.Arg425Leu)

Gene: ACBD5 (acyl-CoA binding domain containing 5; minus strand). Cytogenetic location: 10p12.1.
Variant type: single nucleotide variant.
Coding change: c.1274G>T on transcript NM_145698.5 (MANE Select); coding-DNA position 1274, G replaced by T.
Protein change: p.Arg425Leu; replaces arginine 425 with leucine.
Molecular consequence: missense variant.
Genome position (GRCh38, 1-based): chr10:27,208,376, C>A on the plus strand (G>T on the coding strand, the complement: ACBD5 is on the minus strand). VCF-style: chr10-27208376-C-A. GRCh37 (hg19) VCF-style: chr10-27497305-C-A.
Other names: c.1169G>T, p.Arg390Leu (NM_001042473.4, NM_001352577.2, NM_001352578.2 and 1 more transcripts); c.1268G>T, p.Arg423Leu (NM_001271512.3); c.947G>T, p.Arg316Leu (NM_001301251.2, NM_001301252.2, NM_001301253.2 and 2 more transcripts); c.743G>T, p.Arg248Leu (NM_001301254.2); c.1328G>T, p.Arg443Leu (NM_001352568.1); c.1307G>T, p.Arg436Leu (NM_001352569.1); c.1274G>T, p.Arg425Leu (NM_001352570.1); c.1301G>T, p.Arg434Leu (NM_001352571.1); and 10 more; short protein forms R248L, R316L, R322L, R327L, R355L, R357L, R366L, R368L.
Identifiers: ClinVar variation 1021281 (VCV001021281.6), dbSNP rs758175108, ClinGen allele CA376373431.
Genomic context (GRCh38, chr10:27,208,376, plus strand): 5'-ATCAGCACGAGGGCGATCTGCTCATTGAGGCTGCCTCGGGACCCTCTGTCGGAGCCCCAG[C>A]GCTCCCCATCACCTCCACTTCCCACCTGCCGGCCCTTGGTTCCTTCGCTCAAGTGTTGCA-3'
Protein context (NP_663736.2, residues 415-435): RQVGSGGDGE[Arg425Leu]WGSDRGSRGS